The following is an entry in ClinVar:

NM_005477.3(HCN4):c.3251A>T (p.Lys1084Met)

Gene: HCN4 (hyperpolarization activated cyclic nucleotide gated potassium channel 4; minus strand). Cytogenetic location: 15q24.1.
Variant type: single nucleotide variant.
Coding change: c.3251A>T on transcript NM_005477.3 (MANE Select); coding-DNA position 3251, A replaced by T.
Protein change: p.Lys1084Met; replaces lysine 1084 with methionine.
Molecular consequence: missense variant.
Genome position (GRCh38, 1-based): chr15:73,322,842, T>A on the plus strand (A>T on the coding strand, the complement: HCN4 is on the minus strand). VCF-style: chr15-73322842-T-A. GRCh37 (hg19) VCF-style: chr15-73615183-T-A.
Other names: short protein forms K1084M.
Identifiers: ClinVar variation 1311921 (VCV001311921.10), dbSNP rs751716200, ClinGen allele CA7648858.

ClinVar aggregate classification (germline): Uncertain significance. Review status: criteria provided, multiple submitters, no conflicts (2 of 4 stars). 3 submissions from 3 submitters: Uncertain significance (3). Last evaluated 2025-11-16.

Conditions:
Brugada syndrome 8 (BRGDA8). Identifiers: Orphanet 130, MedGen C2751083, MONDO:0013148, OMIM 613123.
Cardiovascular phenotype. Identifiers: MedGen CN230736.

Allele frequency attached by ClinVar (database versions not stated): gnomAD exomes below 0.00001 and 0.00001.
gnomAD v4.1: 1 of 1,516,978 alleles (0.000066%); highest among the groups gnomAD compares: Admixed American, 0.0021%; no homozygotes.

Submissions (3):

Labcorp Genetics (formerly Invitae), Labcorp
Classification: Uncertain significance for Brugada syndrome 8. Last evaluated: 2025-11-16. Review status: criteria provided, single submitter. Criteria: Invitae Variant Classification Sherloc (09022015). Collection method: clinical testing. Allele origin: germline.
Comment: This sequence change replaces lysine, which is basic and polar, with methionine, which is neutral and non-polar, at codon 1084 of the HCN4 protein (p.Lys1084Met). This variant is present in population databases (rs751716200, gnomAD 0.005%). This variant has not been reported in the literature in individuals affected with HCN4-related conditions. ClinVar contains an entry for this variant (Variation ID: 1311921). Invitae Evidence Modeling of protein sequence and biophysical properties (such as structural, functional, and spatial information, amino acid conservation, physicochemical variation, residue mobility, and thermodynamic stability) has been performed for this missense variant. However, the output from this modeling did not meet the statistical confidence thresholds required to predict the impact of this variant on HCN4 protein function. In summary, the available evidence is currently insufficient to determine the role of this variant in disease. Therefore, it has been classified as a Variant of Uncertain Significance.

Ambry Genetics
Classification: Uncertain significance for Cardiovascular phenotype. Last evaluated: 2025-10-06. Review status: criteria provided, single submitter. Criteria: Ambry Variant Classification Scheme 2023. Collection method: clinical testing. Allele origin: germline.
Comment: The p.K1084M variant (also known as c.3251A>T), located in coding exon 8 of the HCN4 gene, results from an A to T substitution at nucleotide position 3251. The lysine at codon 1084 is replaced by methionine, an amino acid with similar properties. This amino acid position is conserved. In addition, the in silico prediction for this alteration is inconclusive. Based on the available evidence, the clinical significance of this variant remains unclear.

GeneDx
Classification: Uncertain significance. Last evaluated: 2020-01-13. Review status: criteria provided, single submitter. Criteria: GeneDx Variant Classification Process June 2021. Collection method: clinical testing. Allele origin: germline. Affected: yes.
Comment: Has not been previously published as pathogenic or benign to our knowledge; Not observed at a significant frequency in large population cohorts (Lek et al., 2016); In silico analysis, which includes protein predictors and evolutionary conservation, supports that this variant does not alter protein structure/function